The following is an entry in ClinVar:

NM_004815.4(ARHGAP29):c.1597T>A (p.Trp533Arg)

Gene: ARHGAP29 (Rho GTPase activating protein 29; minus strand). Cytogenetic location: 1p22.1.
Variant type: single nucleotide variant.
Coding change: c.1597T>A on transcript NM_004815.4 (MANE Select); coding-DNA position 1597, T replaced by A.
Protein change: p.Trp533Arg; replaces tryptophan 533 with arginine.
Molecular consequence: missense variant.
Genome position (GRCh38, 1-based): chr1:94,188,921, A>T on the plus strand (T>A on the coding strand, the complement: ARHGAP29 is on the minus strand). VCF-style: chr1-94188921-A-T. GRCh37 (hg19) VCF-style: chr1-94654477-A-T.
Other names: c.1597T>A, p.Trp533Arg (NM_001328664.2); c.1405T>A, p.Trp469Arg (NM_001328665.2, NM_001328667.2); c.1570T>A, p.Trp524Arg (NM_001328666.2); short protein forms W469R, W524R, W533R.
Identifiers: ClinVar variation 3602489 (VCV003602489.2).
Genomic context (GRCh38, chr1:94,188,921, plus strand): 5'-GAGATCTAGATTCGCTGCTCCCTCCAGTGCTCTCAGAATCACTAAACATCCCAAATGTCC[A>T]TGATCTTATAAAGGAAGGACCTTTAATAAAAAGAATAAAGTCAAAACTTGGCTACAGGTA-3'
Protein context (NP_004806.3, residues 523-543): DITGPSFIRS[Trp533Arg]TFGMFSDSES

ClinVar aggregate classification (germline): Uncertain significance. Review status: criteria provided, multiple submitters, no conflicts (2 of 4 stars). 2 submissions from 2 submitters: Uncertain significance (2). Last evaluated 2025-08-03.

Conditions:
Inborn genetic diseases. Identifiers: MedGen C0950123, MeSH D030342.

gnomAD v4.1: 8 of 1,613,040 alleles (0.0005%); highest among the groups gnomAD compares: African/African-American, 0.0013%; no homozygotes.

Submissions (2):

Ambry Genetics
Classification: Uncertain significance for Inborn genetic diseases. Last evaluated: 2025-08-03. Review status: criteria provided, single submitter. Criteria: Ambry Variant Classification Scheme 2023. Collection method: clinical testing. Allele origin: germline.

GeneDx
Classification: Uncertain significance. Last evaluated: 2024-07-30. Review status: criteria provided, single submitter. Criteria: GeneDx Variant Classification Process June 2021. Collection method: clinical testing. Allele origin: germline. Affected: yes.
Comment: In silico analysis supports that this missense variant has a deleterious effect on protein structure/function; Has not been previously published as pathogenic or benign to our knowledge